The following is an entry in ClinVar:

NM_207122.2(EXT2):c.931G>A (p.Val311Met)

Gene: EXT2 (exostosin glycosyltransferase 2; plus strand). Cytogenetic location: 11p11.2.
Variant type: single nucleotide variant.
Coding change: c.931G>A on transcript NM_207122.2 (MANE Select); coding-DNA position 931, G replaced by A.
Protein change: p.Val311Met; replaces valine 311 with methionine.
Molecular consequence: missense variant.
Genome position (GRCh38, 1-based): chr11:44,124,976, G>A. VCF-style: chr11-44124976-G-A. GRCh37 (hg19) VCF-style: chr11-44146526-G-A.
Other names: c.1030G>A, p.Val344Met (NM_000401.3); c.931G>A, p.Val311Met (NM_001178083.3, NM_001389628.1, NM_001389630.1); short protein forms V344M, V311M.
Identifiers: ClinVar variation 1501706 (VCV001501706.8), dbSNP rs1449762239, ClinGen allele CA380168711.

ClinVar aggregate classification (germline): Uncertain significance (1 of 4 stars; one submission).

Conditions:
Exostoses, multiple, type 2 (EXT2). Also called: Hereditary Multiple Osteochondromatosis, Type II; EXOSTOSES, MULTIPLE, TYPE II. Identifiers: Orphanet 321, MedGen C1851413, MONDO:0007586, OMIM 133701.

Allele frequency attached by ClinVar (database versions not stated): gnomAD exomes below 0.00001.
gnomAD v4.1: 1 of 1,612,696 alleles (0.000062%); no homozygotes.

Submission:

Labcorp Genetics (formerly Invitae), Labcorp
Classification: Uncertain significance for Exostoses, multiple, type 2. Last evaluated: 2021-01-11. Review status: criteria provided, single submitter. Criteria: Invitae Variant Classification Sherloc (09022015). Collection method: clinical testing. Allele origin: germline.
Comment: In summary, the available evidence is currently insufficient to determine the role of this variant in disease. Therefore, it has been classified as a Variant of Uncertain Significance. Algorithms developed to predict the effect of missense changes on protein structure and function are either unavailable or do not agree on the potential impact of this missense change (SIFT: "Deleterious"; PolyPhen-2: "Possibly Damaging"; Align-GVGD: "Class C0"). This variant has not been reported in the literature in individuals with EXT2-related conditions. This variant is not present in population databases (ExAC no frequency). This sequence change replaces valine with methionine at codon 311 of the EXT2 protein (p.Val311Met). The valine residue is moderately conserved and there is a small physicochemical difference between valine and methionine.